The following is an entry in ClinVar:

NM_152309.3(PIK3AP1):c.1460A>C (p.Lys487Thr)

Gene: PIK3AP1 (phosphoinositide-3-kinase adaptor protein 1; minus strand). Cytogenetic location: 10q24.1.
Variant type: single nucleotide variant.
Coding change: c.1460A>C on transcript NM_152309.3 (MANE Select); coding-DNA position 1460, A replaced by C.
Protein change: p.Lys487Thr; replaces lysine 487 with threonine.
Molecular consequence: missense variant.
Genome position (GRCh38, 1-based): chr10:96,628,409, T>G on the plus strand (A>C on the coding strand, the complement: PIK3AP1 is on the minus strand). VCF-style: chr10-96628409-T-G. GRCh37 (hg19) VCF-style: chr10-98388166-T-G.
Other names: c.1460A>C (NM_152309.2); short protein forms K487T.
Identifiers: ClinVar variation 1477677 (VCV001477677.9), dbSNP rs772197733, ClinGen allele CA5626256.

ClinVar aggregate classification (germline): Uncertain significance. Review status: criteria provided, multiple submitters, no conflicts (2 of 4 stars). 2 submissions from 2 submitters: Uncertain significance (2). Last evaluated 2025-09-15.

Conditions:
Infantile spasms. Also called: Infantile spasm. Identifiers: MedGen C3887898, HP:0012469.

Allele frequency attached by ClinVar (database versions not stated): ExAC 0.00003; gnomAD 0.00005 and 0.00006; TOPMed 0.00009.
gnomAD v4.1: 34 of 1,608,958 alleles (0.0021%); highest among the groups gnomAD compares: Admixed American, 0.043%; no homozygotes.

Submissions (2):

Labcorp Genetics (formerly Invitae), Labcorp
Classification: Uncertain significance for Infantile spasms. Last evaluated: 2025-09-15. Review status: criteria provided, single submitter. Criteria: Invitae Variant Classification Sherloc (09022015). Collection method: clinical testing. Allele origin: germline.
Comment: This sequence change replaces lysine, which is basic and polar, with threonine, which is neutral and polar, at codon 487 of the PIK3AP1 protein (p.Lys487Thr). This variant is present in population databases (rs772197733, gnomAD 0.04%), and has an allele count higher than expected for a pathogenic variant. This variant has not been reported in the literature in individuals affected with PIK3AP1-related conditions. ClinVar contains an entry for this variant (Variation ID: 1477677). An algorithm developed to predict the effect of missense changes on protein structure and function (PolyPhen-2) suggests that this variant is likely to be disruptive. In summary, the available evidence is currently insufficient to determine the role of this variant in disease. Therefore, it has been classified as a Variant of Uncertain Significance.

Ambry Genetics
Classification: Uncertain significance. Last evaluated: 2024-06-16. Review status: criteria provided, single submitter. Criteria: Ambry Variant Classification Scheme 2023. Collection method: clinical testing. Allele origin: germline.